The following is an entry in ClinVar:

ClinVar aggregate classification (germline): Pathogenic (1 of 4 stars; one submission).

Allele frequency attached by ClinVar (database versions not stated): gnomAD exomes 0.00001; TOPMed 0.00001.
gnomAD v4.1: 10 of 1,613,474 alleles (0.00062%); highest among the groups gnomAD compares: Non-Finnish European, 0.00085%; no homozygotes.

Submission:

Labcorp Genetics (formerly Invitae), Labcorp
Classification: Pathogenic. Last evaluated: 2025-07-07. Review status: criteria provided, single submitter. Criteria: Invitae Variant Classification Sherloc (09022015). Collection method: clinical testing. Allele origin: germline.
Comment: This sequence change creates a premature translational stop signal (p.Gln675*) in the TTLL5 gene. It is expected to result in an absent or disrupted protein product. Loss-of-function variants in TTLL5 are known to be pathogenic (PMID: 24791901, 27162334). This variant is not present in population databases (gnomAD no frequency). This variant has not been reported in the literature in individuals affected with TTLL5-related conditions. ClinVar contains an entry for this variant (Variation ID: 2146650). Algorithms developed to predict the effect of sequence changes on RNA splicing suggest that this variant may disrupt the consensus splice site. For these reasons, this variant has been classified as Pathogenic.

Literature cited by the submitters: PubMed 24791901; PubMed 27162334.

NM_015072.5(TTLL5):c.2023C>T (p.Gln675Ter)

Gene: TTLL5 (tubulin tyrosine ligase like 5; plus strand). Cytogenetic location: 14q24.3.
Variant type: single nucleotide variant.
Coding change: c.2023C>T on transcript NM_015072.5 (MANE Select); coding-DNA position 2023, C replaced by T.
Protein change: p.Gln675Ter; replaces glutamine 675 with a stop codon.
Molecular consequence: nonsense.
Genome position (GRCh38, 1-based): chr14:75,771,741, C>T. VCF-style: chr14-75771741-C-T. GRCh37 (hg19) VCF-style: chr14-76238084-C-T.
Other names: short protein forms Q675*.
Identifiers: ClinVar variation 2146650 (VCV002146650.4), dbSNP rs924419805, ClinGen allele CA263698758.